The following is an entry in ClinVar:

ClinVar aggregate classification (germline): Uncertain significance. Review status: criteria provided, multiple submitters, no conflicts (2 of 4 stars). 10 submissions from 8 submitters: Uncertain significance (8). 2 of the submissions do not count toward it. Last evaluated 2025-12-29.

Conditions:
RYR1-related disorder. Also called: RYR1-related condition; RYR1-related disorders. Identifiers: MedGen CN239331.
Inborn genetic diseases. Identifiers: MedGen C0950123, MeSH D030342.
Central core myopathy (CMYO1A). Also called: Central core disease; Myopathy, central fibrillar; CONGENITAL MYOPATHY 1A, AUTOSOMAL DOMINANT, WITH SUSCEPTIBILITY TO MALIGNANT HYPERTHERMIA. Identifiers: Orphanet 597, MedGen C5830701, MONDO:0007294, OMIM 117000.
Malignant hyperthermia, susceptibility to, 1 (MHS1). Also called: RYR1-Related Malignant Hyperthermia Susceptibility; Anesthesia related hyperthermia; Malignant hyperpyrexia; Fulminating hyperpyrexia; Pharmacogenic myopathy; Malignant hyperthermia suceptibility 1. Identifiers: Orphanet 423, MedGen C2930980, MONDO:0007783, OMIM 145600.
Congenital multicore myopathy with external ophthalmoplegia (CMYO1B). Also called: MULTIMINICORE DISEASE WITH EXTERNAL OPHTHALMOPLEGIA; Congenital myopathy 1B, autosomal recessive; Minicore myopathy; Minicore myopathy with external ophthalmoplegia; MULTICORE MYOPATHY. Identifiers: Orphanet 598, Orphanet 98905, MedGen C1850674, MONDO:0009712, OMIM 255320, HP:0003789.

Allele frequency attached by ClinVar (database versions not stated): gnomAD exomes 0.00001 and 0.00002.
gnomAD v4.1: 20 of 1,504,848 alleles (0.0013%); highest among the groups gnomAD compares: Non-Finnish European, 0.0018%; 1 homozygote.

Submissions (10):

Women's Health and Genetics/Laboratory Corporation of America, LabCorp
Classification: Uncertain significance. Last evaluated: 2025-12-29. Review status: criteria provided, single submitter. Criteria: LabCorp Variant Classification Summary - May 2015. Collection method: clinical testing. Allele origin: germline.
Comment: Variant summary: RYR1 c.13142C>G (p.Ala4381Gly) results in a non-conservative amino acid change in the encoded protein sequence. Algorithms developed to predict the effect of missense changes on protein structure and function are either unavailable or do not agree on the potential impact of this missense change. The variant allele was found at a frequency of 9.7e-06 in 102912 control chromosomes. The available data on variant occurrences in the general population are insufficient to allow any conclusion about variant significance. To our knowledge, no occurrence of c.13142C>G in individuals affected with RYR1-related conditions and no experimental evidence demonstrating its impact on protein function have been reported. ClinVar contains an entry for this variant (Variation ID: 199212). Based on the evidence outlined above, the variant was classified as uncertain significance.

Blueprint Genetics
Classification: Uncertain significance. Last evaluated: 2024-05-23. Review status: criteria provided, single submitter. Criteria: ACMG Guidelines, 2015. Collection method: clinical testing. Allele origin: germline.

Ambry Genetics
Classification: Uncertain significance for Inborn genetic diseases. Last evaluated: 2023-11-13. Review status: criteria provided, single submitter. Criteria: Ambry Variant Classification Scheme 2023. Collection method: clinical testing. Allele origin: germline.

Labcorp Genetics (formerly Invitae), Labcorp
Classification: Uncertain significance for RYR1-related disorder. Last evaluated: 2022-04-23. Review status: criteria provided, single submitter. Criteria: Invitae Variant Classification Sherloc (09022015). Collection method: clinical testing. Allele origin: germline.
Comment: This sequence change replaces alanine, which is neutral and non-polar, with glycine, which is neutral and non-polar, at codon 4381 of the RYR1 protein (p.Ala4381Gly). The frequency data for this variant in the population databases is considered unreliable, as metrics indicate poor data quality at this position in the gnomAD database. This variant has not been reported in the literature in individuals affected with RYR1-related conditions. ClinVar contains an entry for this variant (Variation ID: 199212). Advanced modeling of protein sequence and biophysical properties (such as structural, functional, and spatial information, amino acid conservation, physicochemical variation, residue mobility, and thermodynamic stability) performed at Invitae indicates that this missense variant is not expected to disrupt RYR1 protein function. In summary, the available evidence is currently insufficient to determine the role of this variant in disease. Therefore, it has been classified as a Variant of Uncertain Significance.

Illumina Laboratory Services, Illumina
Classification: Uncertain significance for Central core myopathy. Last evaluated: 2018-01-13. Review status: criteria provided, single submitter. Criteria: ICSL Variant Classification Criteria 13 December 2019. Collection method: clinical testing. Allele origin: germline.

Illumina Laboratory Services, Illumina
Classification: Uncertain significance for Congenital multicore myopathy with external ophthalmoplegia. Last evaluated: 2018-01-13. Review status: criteria provided, single submitter. Criteria: ICSL Variant Classification Criteria 13 December 2019. Collection method: clinical testing. Allele origin: germline.

Illumina Laboratory Services, Illumina
Classification: Uncertain significance for Malignant hyperthermia, susceptibility to, 1. Last evaluated: 2018-01-13. Review status: criteria provided, single submitter. Criteria: ICSL Variant Classification Criteria 13 December 2019. Collection method: clinical testing. Allele origin: germline.

Eurofins Ntd Llc (ga)
Classification: Uncertain significance. Last evaluated: 2015-01-06. Review status: criteria provided, single submitter. Criteria: EGL Classification Definitions 2015. Collection method: clinical testing. Allele origin: germline. Observed: 1 variant allele, 1 heterozygote.

PreventionGenetics, part of Exact Sciences
Classification: Uncertain significance for RYR1-related condition. Last evaluated: 2024-06-04. Review status: no assertion criteria provided. Collection method: clinical testing. Allele origin: germline. Not counted in ClinVar's aggregate classification.
Comment: The RYR1 c.13142C>G variant is predicted to result in the amino acid substitution p.Ala4381Gly. To our knowledge, this variant has not been reported in the literature. This variant is reported in 0.0026% of alleles in individuals of European (non-Finnish) descent in gnomAD. At this time, the clinical significance of this variant is uncertain due to the absence of conclusive functional and genetic evidence.

Department of Pathology and Laboratory Medicine, Sinai Health System
Classification: Uncertain significance. Review status: no assertion criteria provided. Collection method: clinical testing. Allele origin: unknown. Affected: yes. Study: The Canadian Open Genetics Repository (COGR). Not counted in ClinVar's aggregate classification.
Comment: The RYR1 p.Ala4376Gly variant was not identified in the literature nor was it identified in Cosmic or LOVD 3.0. The variant was identified in dbSNP (ID: rs794727983) and ClinVar (classified as a VUS by EGL Genetics Diagnostics). The variant was identified in control databases in 1 of 102912 chromosomes at a frequency of 0.00001 (Genome Aggregation Database Feb 27, 2017). The variant was observed in the European (non-Finnish) population in 1 of 38400 chromosomes (freq: 0.000026), while the variant was not observed in the African, Latino, Ashkenazi Jewish, East Asian, European (Finnish), Other or South Asian populations. The variant occurs outside of the splicing consensus sequence and in silico or computational prediction software programs (SpliceSiteFinder, MaxEntScan, NNSPLICE, and GeneSplicer) do not predict a difference in splicing. The p.Ala4376 residue is not conserved in mammals and four out of five computational analyses (PolyPhen-2, SIFT, AlignGVGD, and BLOSUM) do not suggest a high likelihood of impact to the protein; however, this information is not predictive enough to rule out pathogenicity. In summary, based on the above information the clinical significance of this variant cannot be determined with certainty at this time. This variant is classified as a variant of uncertain significance.

NM_000540.3(RYR1):c.13142C>G (p.Ala4381Gly)

Gene: RYR1 (ryanodine receptor 1; plus strand). Cytogenetic location: 19q13.2.
Variant type: single nucleotide variant.
Coding change: c.13142C>G on transcript NM_000540.3 (MANE Select); coding-DNA position 13142, C replaced by G.
Protein change: p.Ala4381Gly; replaces alanine 4381 with glycine.
Molecular consequence: missense variant.
Genome position (GRCh38, 1-based): chr19:38,565,476, C>G. VCF-style: chr19-38565476-C-G. GRCh37 (hg19) VCF-style: chr19-39056116-C-G.
Other names: c.13127C>G, p.Ala4376Gly (NM_001042723.2); short protein forms A4381G, A4376G.
Identifiers: ClinVar variation 199212 (VCV000199212.16), dbSNP rs794727983, ClinGen allele CA024035.